The following is an entry in ClinVar:

NM_001384732.1(CPLANE1):c.8314G>A (p.Ala2772Thr)

Gene: CPLANE1 (ciliogenesis and planar polarity effector complex subunit 1; minus strand). Cytogenetic location: 5p13.2.
Variant type: single nucleotide variant.
Coding change: c.8314G>A on transcript NM_001384732.1 (MANE Select); coding-DNA position 8314, G replaced by A.
Protein change: p.Ala2772Thr; replaces alanine 2772 with threonine.
Molecular consequence: missense variant.
Genome position (GRCh38, 1-based): chr5:37,153,799, C>T on the plus strand (G>A on the coding strand, the complement: CPLANE1 is on the minus strand). VCF-style: chr5-37153799-C-T. GRCh37 (hg19) VCF-style: chr5-37153901-C-T.
Other names: c.8152G>A (NM_023073.3); c.8152G>A, p.Ala2718Thr (NM_023073.4); short protein forms A2772T, A2718T.
Identifiers: ClinVar variation 2061347 (VCV002061347.3), dbSNP rs761984446, ClinGen allele CA3237827.
Genomic context (GRCh38, chr5:37,153,799, plus strand): 5'-CCTTATCACAATGTAGATCTAGCATTTCAGGCTTGGGGAAATCCTGTTCTATGTTTTCAG[C>T]AATGTTCTGTATTGCTAGCAACTGCTCGTCAATTTTCTGAAGCTTAGCACTGAGATGCTC-3'
Protein context (NP_001371661.1, residues 2762-2782): DEQLLAIQNI[Ala2772Thr]ENIEQDFPKP

ClinVar aggregate classification (germline): Uncertain significance. Review status: criteria provided, multiple submitters, no conflicts (2 of 4 stars). 2 submissions from 2 submitters: Uncertain significance (2). Last evaluated 2024-04-17.

Conditions:
Orofaciodigital syndrome type 6 (OFD6). Also called: OFDS VI; OROFACIODIGITAL SYNDROME VI; POLYDACTYLY, CLEFT LIP/PALATE OR LINGUAL LUMP, AND PSYCHOMOTOR RETARDATION; VARADI SYNDROME; VARADI-PAPP SYNDROME; Oral-facial-digital syndrome type 6. Identifiers: Orphanet 2754, MedGen C2745997, MONDO:0010176, OMIM 277170.
Joubert syndrome 17 (JBTS17). Identifiers: Orphanet 475, MedGen C3553264, MONDO:0013824, OMIM 614615.

Allele frequency attached by ClinVar (database versions not stated): gnomAD 0.00001; ExAC 0.00002; gnomAD exomes 0.00002.
gnomAD v4.1: 36 of 1,614,022 alleles (0.0022%); highest among the groups gnomAD compares: Middle Eastern, 0.05%; no homozygotes.

Submissions (2):

Fulgent Genetics
Classification: Uncertain significance for Orofaciodigital syndrome type 6; Joubert syndrome 17. Last evaluated: 2024-04-17. Review status: criteria provided, single submitter. Criteria: ACMG Guidelines, 2015. Collection method: clinical testing. Allele origin: germline.

Labcorp Genetics (formerly Invitae), Labcorp
Classification: Uncertain significance. Last evaluated: 2024-03-16. Review status: criteria provided, single submitter. Criteria: Invitae Variant Classification Sherloc (09022015). Collection method: clinical testing. Allele origin: germline.
Comment: This sequence change replaces alanine, which is neutral and non-polar, with threonine, which is neutral and polar, at codon 2718 of the CPLANE1 protein (p.Ala2718Thr). This variant is present in population databases (rs761984446, gnomAD 0.02%). This variant has not been reported in the literature in individuals affected with CPLANE1-related conditions. ClinVar contains an entry for this variant (Variation ID: 2061347). Advanced modeling of protein sequence and biophysical properties (such as structural, functional, and spatial information, amino acid conservation, physicochemical variation, residue mobility, and thermodynamic stability) performed at Invitae indicates that this missense variant is not expected to disrupt CPLANE1 protein function with a negative predictive value of 95%. In summary, the available evidence is currently insufficient to determine the role of this variant in disease. Therefore, it has been classified as a Variant of Uncertain Significance.